The following is an entry in ClinVar:

ClinVar aggregate classification (germline): Likely benign (1 of 4 stars; one submission).

Submission:

CeGaT Center for Human Genetics Tuebingen
Classification: Likely benign. Last evaluated: 2023-08-01. Review status: criteria provided, single submitter. Criteria: CeGaT Center For Human Genetics Tuebingen Variant Classification Criteria Version 2. Collection method: clinical testing. Allele origin: germline. Affected: yes. Observed: 1 variant allele.
Comment: CACNA1S: PM2:Supporting, BP4, BP7

NM_000069.3(CACNA1S):c.18C>T (p.Pro6=)

Gene: CACNA1S (calcium voltage-gated channel subunit alpha1 S; minus strand). Cytogenetic location: 1q32.1.
Variant type: single nucleotide variant.
Coding change: c.18C>T on transcript NM_000069.3 (MANE Select); coding-DNA position 18, C replaced by T.
Protein change: p.Pro6=; no amino-acid change (proline 6 retained).
Molecular consequence: synonymous variant.
Genome position (GRCh38, 1-based): chr1:201,112,322, G>A on the plus strand (C>T on the coding strand, the complement: CACNA1S is on the minus strand). VCF-style: chr1-201112322-G-A. GRCh37 (hg19) VCF-style: chr1-201081450-G-A.
Identifiers: ClinVar variation 2578593 (VCV002578593.25), dbSNP rs2464701924, ClinGen allele CA422698310.